The following is an entry in ClinVar:

ClinVar aggregate classification (germline): Pathogenic/Likely pathogenic. Review status: criteria provided, multiple submitters, no conflicts (2 of 4 stars). 7 submissions from 7 submitters: Pathogenic (3); Likely pathogenic (2). 2 of the submissions do not count toward it. Last evaluated 2025-07-24.

Conditions:
Hereditary breast ovarian cancer syndrome. Also called: Hereditary breast and ovarian cancer; Hereditary breast and ovarian cancer syndrome (HBOC); Breast and ovarian cancer; Hereditary breast and ovarian cancer syndrome; BRCA1- and BRCA2-Associated Hereditary Breast and Ovarian Cancer; Hereditary breast and/or ovarian cancer syndrome. Identifiers: Orphanet 145, MedGen C0677776, MeSH D061325, MONDO:0003582. Disease mechanism: loss of function.
Hereditary cancer-predisposing syndrome. Also called: Tumor predisposition; Neoplastic Syndromes, Hereditary; Hereditary neoplastic syndrome; Hereditary Cancer Syndrome. Identifiers: Orphanet 140162, MedGen C0027672, MeSH D009386, MONDO:0015356.
Familial cancer of breast. Also called: hereditary breast carcinoma; BREAST CANCER, FAMILIAL; Hereditary breast cancer. Identifiers: Orphanet 227535, MedGen C0346153, MONDO:0016419, OMIM 114480. Disease mechanism: loss of function.
Malignant tumor of breast. Also called: Malignant breast neoplasm; Cancer breast. Identifiers: MedGen C0006142, MONDO:0007254. Disease mechanism: loss of function.

Allele frequency attached by ClinVar (database versions not stated): gnomAD exomes 0.00001; ExAC 0.00002.
gnomAD v4.1: 5 of 1,614,096 alleles (0.00031%); highest among the groups gnomAD compares: South Asian, 0.0055%; no homozygotes.

Submissions (7):

Labcorp Genetics (formerly Invitae), Labcorp
Classification: Pathogenic for Familial cancer of breast. Last evaluated: 2025-07-24. Review status: criteria provided, single submitter. Criteria: Invitae Variant Classification Sherloc (09022015). Collection method: clinical testing. Allele origin: germline.
Comment: This sequence change creates a premature translational stop signal (p.Leu671*) in the PALB2 gene. It is expected to result in an absent or disrupted protein product. Loss-of-function variants in PALB2 are known to be pathogenic (PMID: 17200668, 17200671, 17200672, 24136930, 25099575). This variant is present in population databases (rs755263466, gnomAD 0.006%). This premature translational stop signal has been observed in individual(s) with breast and/or ovarian cancer (PMID: 26911350, 32885271, 33811135). ClinVar contains an entry for this variant (Variation ID: 632932). For these reasons, this variant has been classified as Pathogenic.

Myriad Genetics, Inc.
Classification: Pathogenic for Familial cancer of breast. Last evaluated: 2023-09-12. Review status: criteria provided, single submitter. Criteria: Myriad Autosomal Dominant, Autosomal Recessive and X-Linked Classification Criteria (2023). Collection method: clinical testing. Allele origin: unknown.
Comment: This variant is considered pathogenic. This variant creates a termination codon and is predicted to result in premature protein truncation.

Baylor Genetics
Classification: Likely pathogenic for Familial cancer of breast. Last evaluated: 2022-12-26. Review status: criteria provided, single submitter. Criteria: ACMG Guidelines, 2015. Collection method: clinical testing. Allele origin: unknown.

Ambry Genetics
Classification: Pathogenic for Hereditary cancer-predisposing syndrome. Last evaluated: 2022-10-12. Review status: criteria provided, single submitter. Criteria: Ambry Variant Classification Scheme 2023. Collection method: clinical testing. Allele origin: germline.
Comment: The p.L671* pathogenic mutation (also known as c.2012T>G), located in coding exon 5 of the PALB2 gene, results from a T to G substitution at nucleotide position 2012. This changes the amino acid from a leucine to a stop codon within coding exon 5. This alteration has been reported in multiple breast and/or ovarian cancer patients (Mannan AU et al. J Hum Genet, 2016 Jun;61:515-22; Dorling et al. N Engl J Med. 2021 02;384:428-439; Lerner-Ellis J et al. J Cancer Res Clin Oncol, 2021 Mar;147:871-879). In addition to the clinical data presented in the literature, this alteration is expected to result in loss of function by premature protein truncation or nonsense-mediated mRNA decay. As such, this alteration is interpreted as a disease-causing mutation.

Women's Health and Genetics/Laboratory Corporation of America, LabCorp
Classification: Likely pathogenic for Familial cancer of breast. Last evaluated: 2018-08-13. Review status: criteria provided, single submitter. Criteria: LabCorp Variant Classification Summary - May 2015. Collection method: clinical testing. Allele origin: germline.
Comment: Variant summary: PALB2 c.2012T>G (p.Leu671X) results in a premature termination codon, predicted to cause a truncation of the encoded protein or absence of the protein due to nonsense mediated decay, which are commonly known mechanisms for disease. Truncations downstream of this position have been classified as pathogenic by our laboratory (e.g., p.Met723fsX21 and p.Lys974fsX5). The variant allele was found at a frequency of 8.1e-06 in 246496 control chromosomes. c.2012T>G has been reported in the literature in an individual affected with Hereditary Breast and Ovarian Cancer (Mannan_2016). These data do not allow any conclusion about variant significance. To our knowledge, no experimental evidence demonstrating an impact on protein function has been reported. No clinical diagnostic laboratories have submitted clinical-significance assessments for this variant to ClinVar after 2014. Based on the evidence outlined above, the variant was classified as likely pathogenic.

BRCAlab, Lund University
Classification: Pathogenic for Hereditary breast ovarian cancer syndrome. Last evaluated: 2022-08-26. Review status: no assertion criteria provided. Collection method: clinical testing. Allele origin: germline. Affected: yes. Not counted in ClinVar's aggregate classification.

Department of Pathology and Laboratory Medicine, Sinai Health System
Classification: Pathogenic for Malignant tumor of breast. Review status: no assertion criteria provided. Collection method: clinical testing. Allele origin: unknown. Affected: yes. Observed: 1 variant allele. Study: The Canadian Open Genetics Repository (COGR). Not counted in ClinVar's aggregate classification.
Comment: The PALB2 p.Leu671* variant was not identified in the literature nor was it identified in ClinVar, Cosmic, LOVD 3.0, or the Zhejiang University Database. The variant was identified in dbSNP (ID: rs755263466) as well as control databases in 2 of 246246 chromosomes at a frequency of 0.000008 (Genome Aggregation Database Feb 27, 2017). The variant was observed in the South Asian population in 2 of 30782 chromosomes (freq: 0.00007), while the variant was not observed in the African, Other, Latino, European, Ashkenazi Jewish, East Asian, or Finnish populations. The variant occurs outside of the splicing consensus sequence and in silico or computational prediction software programs (SpliceSiteFinder, MaxEntScan, NNSPLICE, GeneSplicer) do not predict a difference in splicing. The p.Leu671* variant leads to a premature stop codon at position 671, which is predicted to lead to a truncated or absent protein and loss of function. Loss of function variants of the PALB2 gene are an established mechanism of disease in PALB2-associated cancers and is the type of variant expected to cause the disorder. In summary, based on the above information, this variant meets our laboratoryâ€šÃ„Ã´s criteria to be classified as pathogenic.

Literature cited by the submitters: PubMed 17200668 (cited by Labcorp Genetics (formerly Invitae), Labcorp); PubMed 17200671 (cited by Labcorp Genetics (formerly Invitae), Labcorp); PubMed 17200672 (cited by Labcorp Genetics (formerly Invitae), Labcorp); PubMed 24136930 (cited by Labcorp Genetics (formerly Invitae), Labcorp); PubMed 25099575 (cited by Labcorp Genetics (formerly Invitae), Labcorp); PubMed 26911350 (cited by 3 submitters); PubMed 32885271 (cited by Labcorp Genetics (formerly Invitae), Labcorp and Ambry Genetics); PubMed 33811135 (cited by Labcorp Genetics (formerly Invitae), Labcorp); PubMed 33471991 (cited by Ambry Genetics); PubMed 29922827 (cited by Women's Health and Genetics/Laboratory Corporation of America, LabCorp).

NM_024675.4(PALB2):c.2012T>G (p.Leu671Ter)

Gene: PALB2 (partner and localizer of BRCA2; minus strand). Cytogenetic location: 16p12.2.
Variant type: single nucleotide variant.
Coding change: c.2012T>G on transcript NM_024675.4 (MANE Select); coding-DNA position 2012, T replaced by G.
Protein change: p.Leu671Ter; replaces leucine 671 with a stop codon.
Molecular consequence: nonsense.
Genome position (GRCh38, 1-based): chr16:23,630,142, A>C on the plus strand (T>G on the coding strand, the complement: PALB2 is on the minus strand). VCF-style: chr16-23630142-A-C. GRCh37 (hg19) VCF-style: chr16-23641463-A-C.
Other names: short protein forms L671*.
Identifiers: ClinVar variation 632932 (VCV000632932.30), dbSNP rs755263466, ClinGen allele CA7963637.